The following is an entry in ClinVar:

ClinVar aggregate classification (germline): Uncertain significance (1 of 4 stars; one submission).

Conditions:
Peutz-Jeghers syndrome (PJS). Also called: POLYPOSIS, HAMARTOMATOUS INTESTINAL; POLYPS-AND-SPOTS SYNDROME; Peutz-Jeghers polyposis; Periorificial lentiginosis syndrome. Identifiers: Orphanet 2869, MedGen C0031269, MeSH D010580, MONDO:0008280, OMIM 175200.

Submission:

Labcorp Genetics (formerly Invitae), Labcorp
Classification: Uncertain significance for Peutz-Jeghers syndrome. Last evaluated: 2024-03-06. Review status: criteria provided, single submitter. Criteria: Invitae Variant Classification Sherloc (09022015). Collection method: clinical testing. Allele origin: germline.
Comment: This sequence change replaces lysine, which is basic and polar, with glutamine, which is neutral and polar, at codon 122 of the STK11 protein (p.Lys122Gln). This variant is not present in population databases (gnomAD no frequency). This variant has not been reported in the literature in individuals affected with STK11-related conditions. ClinVar contains an entry for this variant (Variation ID: 527830). Advanced modeling of protein sequence and biophysical properties (such as structural, functional, and spatial information, amino acid conservation, physicochemical variation, residue mobility, and thermodynamic stability) performed at Invitae indicates that this missense variant is expected to disrupt STK11 protein function with a positive predictive value of 95%. In summary, the available evidence is currently insufficient to determine the role of this variant in disease. Therefore, it has been classified as a Variant of Uncertain Significance.

NM_000455.5(STK11):c.364A>C (p.Lys122Gln)

Gene: STK11 (serine/threonine kinase 11; plus strand). Cytogenetic location: 19p13.3.
Variant type: single nucleotide variant.
Coding change: c.364A>C on transcript NM_000455.5 (MANE Select); coding-DNA position 364, A replaced by C.
Protein change: p.Lys122Gln; replaces lysine 122 with glutamine.
Molecular consequence: missense variant.
Genome position (GRCh38, 1-based): chr19:1,218,490, A>C. VCF-style: chr19-1218490-A-C. GRCh37 (hg19) VCF-style: chr19-1218489-A-C.
Other names: short protein forms K122Q.
Identifiers: ClinVar variation 527830 (VCV000527830.8), dbSNP rs1555737463, ClinGen allele CA402947889.